The following is an entry in ClinVar:

NM_001457.4(FLNB):c.*1030G>C

Gene: FLNB (filamin B; plus strand). Cytogenetic location: 3p14.3.
Variant type: single nucleotide variant.
Coding change: c.*1030G>C on transcript NM_001457.4 (MANE Select); 1030 bases downstream of the stop codon, G replaced by C.
Molecular consequence: 3 prime UTR variant.
Genome position (GRCh38, 1-based): chr3:58,171,792, G>C. VCF-style: chr3-58171792-G-C. GRCh37 (hg19) VCF-style: chr3-58157519-G-C.
Other names: c.*1030G>C (NM_001164317.2, NM_001164318.2, NM_001164319.2).
Identifiers: ClinVar variation 346385 (VCV000346385.6), dbSNP rs1131264, ClinGen allele CA10619331.

ClinVar aggregate classification (germline): Benign. Review status: criteria provided, multiple submitters, no conflicts (2 of 4 stars). 2 submissions from 2 submitters: Benign (2). Last evaluated 2018-01-13.

Conditions:
FLNB-Related Spectrum Disorders.

Allele frequency attached by ClinVar (database versions not stated): gnomAD exomes 0.45000; gnomAD 0.53296 and 0.54221; TOPMed 0.56004; 1000 Genomes Project 0.69309; 1000 Genomes Project 30x 0.69332.
gnomAD v4.1: 82,439 of 152,240 alleles (54%); highest among the groups gnomAD compares: East Asian, 100%; 23,640 homozygotes.

Submissions (2):

Illumina Laboratory Services, Illumina
Classification: Benign for FLNB-Related Spectrum Disorders. Last evaluated: 2018-01-13. Review status: criteria provided, single submitter. Criteria: ICSL Variant Classification Criteria 13 December 2019. Collection method: clinical testing. Allele origin: germline.
Comment: This variant was observed in the ICSL laboratory as part of a predisposition screen in an ostensibly healthy population. It had not been previously curated by ICSL or reported in the Human Gene Mutation Database (HGMD: prior to June 1st, 2018), and was therefore a candidate for classification through an automated scoring system. Utilizing variant allele frequency, disease prevalence and penetrance estimates, and inheritance mode, an automated score was calculated to assess if this variant is too frequent to cause the disease. Based on the score and internal cut-off values, a variant classified as benign is not then subjected to further curation. The score for this variant resulted in a classification of benign for this disease.

Breakthrough Genomics
Classification: Benign. Review status: criteria provided, single submitter. Criteria: ACMG Guidelines, 2015. Collection method: not provided. Allele origin: germline. Inheritance: Autosomal recessive inheritance. Affected: yes.